The following is an entry in ClinVar:

ClinVar aggregate classification (germline): Uncertain significance. Review status: criteria provided, multiple submitters, no conflicts (2 of 4 stars). 2 submissions from 2 submitters: Uncertain significance (2). Last evaluated 2024-11-05.

Allele frequency attached by ClinVar (database versions not stated): gnomAD exomes 0.00001; TOPMed 0.00001.
gnomAD v4.1: 9 of 1,551,912 alleles (0.00058%); highest among the groups gnomAD compares: Non-Finnish European, 0.00078%; no homozygotes.

Submissions (2):

Labcorp Genetics (formerly Invitae), Labcorp
Classification: Uncertain significance. Last evaluated: 2024-11-05. Review status: criteria provided, single submitter. Criteria: Invitae Variant Classification Sherloc (09022015). Collection method: clinical testing. Allele origin: germline.
Comment: This sequence change replaces serine, which is neutral and polar, with cysteine, which is neutral and slightly polar, at codon 386 of the DTHD1 protein (p.Ser386Cys). This variant is present in population databases (no rsID available, gnomAD 0.002%). This variant has not been reported in the literature in individuals affected with DTHD1-related conditions. ClinVar contains an entry for this variant (Variation ID: 1358840). An algorithm developed to predict the effect of missense changes on protein structure and function (PolyPhen-2) suggests that this variant is likely to be disruptive. In summary, the available evidence is currently insufficient to determine the role of this variant in disease. Therefore, it has been classified as a Variant of Uncertain Significance.

Blueprint Genetics
Classification: Uncertain significance. Last evaluated: 2022-06-07. Review status: criteria provided, single submitter. Criteria: ACMG Guidelines, 2015. Collection method: clinical testing. Allele origin: germline.

NM_001170700.3(DTHD1):c.2027C>G (p.Ser676Cys)

Gene: DTHD1 (death domain containing 1; plus strand). Cytogenetic location: 4p14.
Variant type: single nucleotide variant.
Coding change: c.2027C>G on transcript NM_001170700.3 (MANE Select); coding-DNA position 2027, C replaced by G.
Protein change: p.Ser676Cys; replaces serine 676 with cysteine.
Molecular consequence: missense variant. On other transcripts: non-coding transcript variant (2).
Genome position (GRCh38, 1-based): chr4:36,308,425, C>G. VCF-style: chr4-36308425-C-G. GRCh37 (hg19) VCF-style: chr4-36310047-C-G.
Other names: c.1157C>G, p.Ser386Cys (NM_001136536.5); c.1094C>G, p.Ser365Cys (NM_001378435.1); short protein forms S365C, S386C, S676C.
Identifiers: ClinVar variation 1358840 (VCV001358840.7), dbSNP rs955067649, ClinGen allele CA95783999.
Genomic context (GRCh38, chr4:36,308,425, plus strand): 5'-ATTTAAGCCAGGTGCTTAAGGACCTGCACTTGGAAGGGTTTGGAGGACCTCCAGAGCCAT[C>G]TCGTCATTTCCAAGTTCGAGAAGGAGAACAACTTCTTTTAAGATTTACTGGAAACATATT-3'
Protein context (NP_001164171.2, residues 666-686): LEGFGGPPEP[Ser676Cys]RHFQVREGEQ